The following is an entry in ClinVar:

ClinVar aggregate classification (germline): Likely benign. Review status: criteria provided, single submitter (1 of 4 stars). 2 submissions from 2 submitters: Likely benign (1). 1 of the submissions does not count toward it. Last evaluated 2023-03-01.

Conditions:
ABCA13-related disorder. Also called: ABCA13-related condition.

Allele frequency attached by ClinVar (database versions not stated): gnomAD 0.00137; 1000 Genomes Project 0.00140; 1000 Genomes Project 30x 0.00141; ESP Exome Variant Server 0.00158; TOPMed 0.00158; gnomAD exomes 0.00206; ExAC 0.00300.
gnomAD v4.1: 3,161 of 1,597,794 alleles (0.2%); highest among the groups gnomAD compares: Admixed American, 0.31%; 7 homozygotes.

Submissions (2):

CeGaT Center for Human Genetics Tuebingen
Classification: Likely benign. Last evaluated: 2023-03-01. Review status: criteria provided, single submitter. Criteria: CeGaT Center For Human Genetics Tuebingen Variant Classification Criteria Version 2. Collection method: clinical testing. Allele origin: germline. Affected: yes. Observed: 1 variant allele.
Comment: ABCA13: BS1

PreventionGenetics, part of Exact Sciences
Classification: Likely benign for ABCA13-related condition. Last evaluated: 2022-07-28. Review status: no assertion criteria provided. Collection method: clinical testing. Allele origin: germline. Not counted in ClinVar's aggregate classification.
Comment: This variant is classified as likely benign based on ACMG/AMP sequence variant interpretation guidelines (Richards et al. 2015 PMID: 25741868, with internal and published modifications).

NM_152701.5(ABCA13):c.10181T>A (p.Leu3394His)

Gene: ABCA13 (ATP binding cassette subfamily A member 13; plus strand). Cytogenetic location: 7p12.3.
Variant type: single nucleotide variant.
Coding change: c.10181T>A on transcript NM_152701.5 (MANE Select); coding-DNA position 10181, T replaced by A.
Protein change: p.Leu3394His; replaces leucine 3394 with histidine.
Molecular consequence: missense variant.
Genome position (GRCh38, 1-based): chr7:48,338,432, T>A. VCF-style: chr7-48338432-T-A. GRCh37 (hg19) VCF-style: chr7-48378029-T-A.
Other names: c.10181T>A (NM_152701.4); short protein forms L3394H.
Identifiers: ClinVar variation 2657486 (VCV002657486.25), dbSNP rs183358970, ClinGen allele CA4258236.